The following is an entry in ClinVar:

ClinVar aggregate classification (germline): Uncertain significance. Review status: criteria provided, multiple submitters, no conflicts (2 of 4 stars). 5 submissions from 5 submitters: Uncertain significance (4). 1 of the submissions does not count toward it. Last evaluated 2025-11-05.

Conditions:
Hereditary cancer-predisposing syndrome. Also called: Neoplastic Syndromes, Hereditary; Hereditary Cancer Syndrome; Tumor predisposition; Hereditary neoplastic syndrome. Identifiers: Orphanet 140162, MedGen C0027672, MeSH D009386, MONDO:0015356.
Familial cancer of breast. Also called: Hereditary breast cancer; BREAST CANCER, FAMILIAL; hereditary breast carcinoma. Identifiers: Orphanet 227535, MedGen C0346153, MONDO:0016419, OMIM 114480. Disease mechanism: loss of function.
Ataxia-telangiectasia syndrome (AT). Also called: LOUIS-BAR SYNDROME; Cerebello-oculocutaneous telangiectasia; Immunodeficiency with ataxia telangiectasia; Ataxia-telangiectasia, complementation group D; AT, COMPLEMENTATION GROUP C; Ataxia-telangiectasia, complementation group E. Identifiers: Orphanet 100, MedGen C0004135, MONDO:0008840, OMIM 208900.

Allele frequency attached by ClinVar (database versions not stated): gnomAD exomes below 0.00001; ExAC 0.00001; gnomAD 0.00001; TOPMed 0.00001.
gnomAD v4.1: 1 of 1,614,022 alleles (0.000062%); highest among the groups gnomAD compares: African/African-American, 0.0013%; no homozygotes.

Submissions (5):

Labcorp Genetics (formerly Invitae), Labcorp
Classification: Uncertain significance for Ataxia-telangiectasia syndrome. Last evaluated: 2025-11-05. Review status: criteria provided, single submitter. Criteria: Invitae Variant Classification Sherloc (09022015). Collection method: clinical testing. Allele origin: germline.
Comment: This sequence change replaces glutamine, which is neutral and polar, with histidine, which is basic and polar, at codon 2314 of the ATM protein (p.Gln2314His). This variant is present in population databases (rs764859160, gnomAD 0.007%). This variant has not been reported in the literature in individuals affected with ATM-related conditions. ClinVar contains an entry for this variant (Variation ID: 407563). Invitae Evidence Modeling of protein sequence and biophysical properties (such as structural, functional, and spatial information, amino acid conservation, physicochemical variation, residue mobility, and thermodynamic stability) indicates that this missense variant is not expected to disrupt ATM protein function with a negative predictive value of 95%. In summary, the available evidence is currently insufficient to determine the role of this variant in disease. Therefore, it has been classified as a Variant of Uncertain Significance.

Ambry Genetics
Classification: Uncertain significance for Hereditary cancer-predisposing syndrome. Last evaluated: 2025-07-28. Review status: criteria provided, single submitter. Criteria: Ambry Variant Classification Scheme 2023. Collection method: clinical testing. Allele origin: germline.
Comment: The p.Q2314H variant (also known as c.6942A>C), located in coding exon 46 of the ATM gene, results from an A to C substitution at nucleotide position 6942. The glutamine at codon 2314 is replaced by histidine, an amino acid with highly similar properties. This amino acid position is not well conserved in available vertebrate species. In addition, this alteration is predicted to be tolerated by in silico analysis. Since supporting evidence is limited at this time, the clinical significance of this alteration remains unclear.

Baylor Genetics
Classification: Uncertain significance for Familial cancer of breast. Last evaluated: 2023-05-11. Review status: criteria provided, single submitter. Criteria: ACMG Guidelines, 2015. Collection method: clinical testing. Allele origin: unknown.

GeneDx
Classification: Uncertain significance. Last evaluated: 2023-05-03. Review status: criteria provided, single submitter. Criteria: GeneDx Variant Classification Process June 2021. Collection method: clinical testing. Allele origin: germline. Affected: yes.
Comment: Not observed at significant frequency in large population cohorts (gnomAD); In silico analysis supports that this missense variant does not alter protein structure/function; Has not been previously published as pathogenic or benign to our knowledge; This variant is associated with the following publications: (PMID: 23532176)

Natera, Inc.
Classification: Uncertain significance for Ataxia-telangiectasia. Last evaluated: 2020-09-08. Review status: no assertion criteria provided. Collection method: clinical testing. Allele origin: germline. Not counted in ClinVar's aggregate classification.

NM_000051.4(ATM):c.6942A>C (p.Gln2314His)

Genes: ATM (ATM serine/threonine kinase; plus strand), C11orf65 (chromosome 11 open reading frame 65; minus strand). Cytogenetic location: 11q22.3.
Variant type: single nucleotide variant.
Coding change: c.6942A>C on transcript NM_000051.4 (MANE Select); coding-DNA position 6942, A replaced by C.
Protein change: p.Gln2314His; replaces glutamine 2314 with histidine.
Molecular consequence: missense variant. On other transcripts: intron variant (2).
Genome position (GRCh38, 1-based): chr11:108,326,192, A>C. VCF-style: chr11-108326192-A-C. GRCh37 (hg19) VCF-style: chr11-108196919-A-C.
Other names: c.6942A>C, p.Gln2314His (NM_001351834.2); c.641-17121T>G (NM_001330368.2); c.*38+9028T>G (NM_001351110.2); short protein forms Q2314H.
Identifiers: ClinVar variation 407563 (VCV000407563.26), dbSNP rs764859160, ClinGen allele CA6266035.